The following is an entry in ClinVar:

ClinVar aggregate classification (germline): Uncertain significance (1 of 4 stars; one submission).

Conditions:
Inborn genetic diseases. Identifiers: MedGen C0950123, MeSH D030342.

gnomAD v4.1: 2 of 1,613,508 alleles (0.00012%); highest among the groups gnomAD compares: Non-Finnish European, 0.00017%; no homozygotes.

Submission:

Ambry Genetics
Classification: Uncertain significance for Inborn genetic diseases. Last evaluated: 2022-03-07. Review status: criteria provided, single submitter. Criteria: Ambry Variant Classification Scheme 2023. Collection method: clinical testing. Allele origin: germline.
Comment: The p.H970P variant (also known as c.2909A>C), located in coding exon 23 of the LRRK2 gene, results from an A to C substitution at nucleotide position 2909. The histidine at codon 970 is replaced by proline, an amino acid with similar properties. This amino acid position is conserved. In addition, this alteration is predicted to be tolerated by in silico analysis. Since supporting evidence is limited at this time, the clinical significance of this alteration remains unclear.

NM_198578.4(LRRK2):c.2909A>C (p.His970Pro)

Gene: LRRK2 (leucine rich repeat kinase 2; plus strand). Cytogenetic location: 12q12.
Variant type: single nucleotide variant.
Coding change: c.2909A>C on transcript NM_198578.4 (MANE Select); coding-DNA position 2909, A replaced by C.
Protein change: p.His970Pro; replaces histidine 970 with proline.
Molecular consequence: missense variant.
Genome position (GRCh38, 1-based): chr12:40,295,457, A>C. VCF-style: chr12-40295457-A-C. GRCh37 (hg19) VCF-style: chr12-40689259-A-C.
Other names: short protein forms H970P.
Identifiers: ClinVar variation 1797540 (VCV001797540.2), dbSNP rs777251559, ClinGen allele CA384412491.